The following is an entry in ClinVar:

ClinVar aggregate classification (germline): Benign. Review status: criteria provided, multiple submitters, no conflicts (2 of 4 stars). 7 submissions from 5 submitters: Benign (7). Last evaluated 2021-06-10.

Conditions:
Muscular dystrophy-dystroglycanopathy type B5 (MDDGB5). Also called: MUSCULAR DYSTROPHY-DYSTROGLYCANOPATHY (CONGENITAL WITH OR WITHOUT IMPAIRED INTELLECTUAL DEVELOPMENT), TYPE B, 5; MUSCULAR DYSTROPHY, CONGENITAL, 1C; MUSCULAR DYSTROPHY, CONGENITAL, FKRP-RELATED. Identifiers: MedGen C1847759, MONDO:0011688, OMIM 606612.
Autosomal recessive limb-girdle muscular dystrophy type 2I. Also called: MUSCULAR DYSTROPHY-DYSTROGLYCANOPATHY (LIMB-GIRDLE), TYPE C, 5; MUSCULAR DYSTROPHY-DYSTROGLYCANOPATHY, LIMB-GIRDLE, FRKP-RELATED; MUSCULAR DYSTROPHY, LIMB-GIRDLE, TYPE 2I. Identifiers: Orphanet 34515, MedGen C1846672, MONDO:0011787, OMIM 607155.
Muscular dystrophy-dystroglycanopathy (congenital with brain and eye anomalies), type A5. Also called: WALKER-WARBURG SYNDROME OR MUSCLE-EYE-BRAIN DISEASE, FKRP-RELATED; MUSCULAR DYSTROPHY-DYSTROGLYCANOPATHY (CONGENITAL WITH BRAIN AND EYE ANOMALIES), TYPE A, 5. Identifiers: Orphanet 588, Orphanet 899, MedGen C3150413, MONDO:0013157, OMIM 613153.

Allele frequency attached by ClinVar (database versions not stated): 1000 Genomes Project 0.10383; 1000 Genomes Project 30x 0.10572; TOPMed 0.16271; ESP Exome Variant Server 0.17156; gnomAD 0.17210 and 0.17414; gnomAD exomes 0.18662 and 0.22981; ExAC 0.22864.
gnomAD v4.1: 353,787 of 1,582,586 alleles (22%); highest among the groups gnomAD compares: Middle Eastern, 25%; 43,016 homozygotes.

Submissions (7):

Genome-Nilou Lab
Classification: Benign for Muscular dystrophy-dystroglycanopathy (congenital with brain and eye anomalies), type A5. Last evaluated: 2021-06-10. Review status: criteria provided, single submitter. Criteria: ACMG Guidelines, 2015. Collection method: clinical testing. Allele origin: germline. Affected: no.

Genome-Nilou Lab
Classification: Benign for Muscular dystrophy-dystroglycanopathy type B5. Last evaluated: 2021-06-10. Review status: criteria provided, single submitter. Criteria: ACMG Guidelines, 2015. Collection method: clinical testing. Allele origin: germline. Affected: no.

Genome-Nilou Lab
Classification: Benign for Autosomal recessive limb-girdle muscular dystrophy type 2I. Last evaluated: 2021-06-10. Review status: criteria provided, single submitter. Criteria: ACMG Guidelines, 2015. Collection method: clinical testing. Allele origin: germline. Affected: no.

GeneDx
Classification: Benign. Last evaluated: 2013-12-21. Review status: criteria provided, single submitter. Criteria: GeneDx Variant Classification (06012015). Collection method: clinical testing. Allele origin: germline. Affected: yes.
Comment: This variant is considered likely benign or benign based on one or more of the following criteria: it is a conservative change, it occurs at a poorly conserved position in the protein, it is predicted to be benign by multiple in silico algorithms, and/or has population frequency not consistent with disease.

Eurofins Ntd Llc (ga)
Classification: Benign. Last evaluated: 2012-11-15. Review status: criteria provided, single submitter. Criteria: EGL Classification Definitions 2015. Collection method: clinical testing. Allele origin: germline. Observed: 12 variant alleles, 10 heterozygotes, 2 homozygotes.

Breakthrough Genomics
Classification: Benign. Review status: criteria provided, single submitter. Criteria: ACMG Guidelines, 2015. Collection method: not provided. Allele origin: germline. Inheritance: Autosomal recessive inheritance. Affected: yes.

PreventionGenetics, part of Exact Sciences
Classification: Benign. Review status: criteria provided, single submitter. Criteria: ACMG Guidelines, 2015. Collection method: clinical testing. Allele origin: germline.

NM_024301.5(FKRP):c.-34C>T

Gene: FKRP (fukutin related protein; plus strand). Cytogenetic location: 19q13.32.
Variant type: single nucleotide variant.
Coding change: c.-34C>T on transcript NM_024301.5 (MANE Select); 34 bases upstream of the start codon, C replaced by T.
Molecular consequence: 5 prime UTR variant.
Genome position (GRCh38, 1-based): chr19:46,755,417, C>T. VCF-style: chr19-46755417-C-T. GRCh37 (hg19) VCF-style: chr19-47258674-C-T.
Other names: c.-34C>T (NM_001039885.3).
Identifiers: ClinVar variation 96104 (VCV000096104.9), dbSNP rs3201779, ClinGen allele CA285757.